The following is an entry in ClinVar:

NM_016122.3(CEP83):c.367C>T (p.Gln123Ter)

Gene: CEP83 (centrosomal protein 83; minus strand). Cytogenetic location: 12q22.
Variant type: single nucleotide variant.
Coding change: c.367C>T on transcript NM_016122.3 (MANE Select); coding-DNA position 367, C replaced by T.
Protein change: p.Gln123Ter; replaces glutamine 123 with a stop codon.
Molecular consequence: nonsense. On other transcripts: non-coding transcript variant (3), intron variant (2).
Genome position (GRCh38, 1-based): chr12:94,403,220, G>A on the plus strand (C>T on the coding strand, the complement: CEP83 is on the minus strand). VCF-style: chr12-94403220-G-A. GRCh37 (hg19) VCF-style: chr12-94796996-G-A.
Other names: c.367C>T, p.Gln123Ter (NM_001042399.2, NM_001346457.2, NM_001346460.2 and 3 more transcripts); c.55C>T, p.Gln19Ter (NM_001346458.2, NM_001346459.2, NM_001346462.2 and 2 more transcripts); c.324+8477C>T (NM_001368041.1); c.12+8477C>T (NM_001368042.1); short protein forms Q19*, Q123*.
Identifiers: ClinVar variation 3687173 (VCV003687173.2).

ClinVar aggregate classification (germline): Pathogenic (1 of 4 stars; one submission).

Conditions:
Nephronophthisis 18 (NPHP18). Identifiers: Orphanet 655, MedGen C3890591, MONDO:0014374, OMIM 615862.

Submission:

Labcorp Genetics (formerly Invitae), Labcorp
Classification: Pathogenic for Nephronophthisis 18. Last evaluated: 2024-10-18. Review status: criteria provided, single submitter. Criteria: Invitae Variant Classification Sherloc (09022015). Collection method: clinical testing. Allele origin: germline.
Comment: This sequence change creates a premature translational stop signal (p.Gln123*) in the CEP83 gene. It is expected to result in an absent or disrupted protein product. Loss-of-function variants in CEP83 are known to be pathogenic (PMID: 23530209, 24882706). This variant is not present in population databases (gnomAD no frequency). This variant has not been reported in the literature in individuals affected with CEP83-related conditions. Algorithms developed to predict the effect of sequence changes on RNA splicing suggest that this variant may disrupt the consensus splice site. For these reasons, this variant has been classified as Pathogenic.

Literature cited by the submitters: PubMed 23530209; PubMed 24882706.